The following is an entry in ClinVar:

ClinVar aggregate classification (germline): Conflicting classifications of pathogenicity. Review status: criteria provided, conflicting classifications (1 of 4 stars). 4 submissions from 3 submitters: Uncertain significance (1); Benign (1); Likely benign (2). Last evaluated 2026-01-21.

Conditions:
Bronchiectasis with or without elevated sweat chloride 2 (BESC2). Identifiers: Orphanet 60033, MedGen C2751666, MONDO:0013087, OMIM 613021.
Pseudohypoaldosteronism, type IB1, autosomal recessive. Also called: Autosomal recessive pseudohypoaldosteronism type 1; PHA I, AUTOSOMAL RECESSIVE; Pseudohypoaldosteronism, Type I, Autosomal Recessive; Pseudohypoaldosteronism, Type I, Recessive. Identifiers: Orphanet 171876, Orphanet 756, MedGen C5774176, MONDO:0009917, OMIM 264350.

Allele frequency attached by ClinVar (database versions not stated): 1000 Genomes Project 30x 0.00016; 1000 Genomes Project 0.00020; ESP Exome Variant Server 0.00023; gnomAD 0.00030 and 0.00033; ExAC 0.00036; gnomAD exomes 0.00036 and 0.00037; TOPMed 0.00037.

Submissions (4):

Labcorp Genetics (formerly Invitae), Labcorp
Classification: Likely benign. Last evaluated: 2026-01-21. Review status: criteria provided, single submitter. Criteria: Invitae Variant Classification Sherloc (09022015). Collection method: clinical testing. Allele origin: germline.

Blueprint Genetics
Classification: Likely benign. Last evaluated: 2024-11-21. Review status: criteria provided, single submitter. Criteria: ACMG Guidelines, 2015. Collection method: clinical testing. Allele origin: germline.

Illumina Laboratory Services, Illumina
Classification: Uncertain significance for Pseudohypoaldosteronism, type IB1, autosomal recessive. Last evaluated: 2018-01-13. Review status: criteria provided, single submitter. Criteria: ICSL Variant Classification Criteria 13 December 2019. Collection method: clinical testing. Allele origin: germline.

Illumina Laboratory Services, Illumina
Classification: Benign for Bronchiectasis with or without elevated sweat chloride 2. Last evaluated: 2018-01-13. Review status: criteria provided, single submitter. Criteria: ICSL Variant Classification Criteria 13 December 2019. Collection method: clinical testing. Allele origin: germline.
Comment: This variant was observed in the ICSL laboratory as part of a predisposition screen in an ostensibly healthy population. It had not been previously curated by ICSL or reported in the Human Gene Mutation Database (HGMD: prior to June 1st, 2018), and was therefore a candidate for classification through an automated scoring system. Utilizing variant allele frequency, disease prevalence and penetrance estimates, and inheritance mode, an automated score was calculated to assess if this variant is too frequent to cause the disease. Based on the score and internal cut-off values, a variant classified as benign is not then subjected to further curation. The score for this variant resulted in a classification of benign for this disease.

NM_001038.6(SCNN1A):c.876-13C>T

Gene: SCNN1A (sodium channel epithelial 1 subunit alpha; minus strand). Cytogenetic location: 12p13.31.
Variant type: single nucleotide variant.
Coding change: c.876-13C>T on transcript NM_001038.6 (MANE Select); 13 bases into the intron before coding-DNA position 876, C replaced by T.
Molecular consequence: intron variant.
Genome position (GRCh38, 1-based): chr12:6,355,893, G>A on the plus strand (C>T on the coding strand, the complement: SCNN1A is on the minus strand). VCF-style: chr12-6355893-G-A. GRCh37 (hg19) VCF-style: chr12-6465059-G-A.
Other names: c.945-13C>T (NM_001159575.2); c.1053-13C>T (NM_001159576.2).
Identifiers: ClinVar variation 310146 (VCV000310146.10), dbSNP rs201235216, ClinGen allele CA6406067.